The following is an entry in ClinVar:

ClinVar aggregate classification (germline): Uncertain significance (1 of 4 stars; one submission).

Submission:

Labcorp Genetics (formerly Invitae), Labcorp
Classification: Uncertain significance. Last evaluated: 2024-03-25. Review status: criteria provided, single submitter. Criteria: Invitae Variant Classification Sherloc (09022015). Collection method: clinical testing. Allele origin: germline.
Comment: This sequence change replaces alanine, which is neutral and non-polar, with aspartic acid, which is acidic and polar, at codon 482 of the MAGEL2 protein (p.Ala482Asp). This variant is not present in population databases (gnomAD no frequency). This variant has not been reported in the literature in individuals affected with MAGEL2-related conditions. Experimental studies and prediction algorithms are not available or were not evaluated, and the functional significance of this variant is currently unknown. In summary, the available evidence is currently insufficient to determine the role of this variant in disease. Therefore, it has been classified as a Variant of Uncertain Significance.

NM_019066.5(MAGEL2):c.1445C>A (p.Ala482Asp)

Gene: MAGEL2 (MAGE family member L2; minus strand). Cytogenetic location: 15q11.2.
Variant type: single nucleotide variant.
Coding change: c.1445C>A on transcript NM_019066.5 (MANE Select); coding-DNA position 1445, C replaced by A.
Protein change: p.Ala482Asp; replaces alanine 482 with aspartic acid.
Molecular consequence: missense variant.
Genome position (GRCh38, 1-based): chr15:23,646,298, G>T on the plus strand (C>A on the coding strand, the complement: MAGEL2 is on the minus strand). VCF-style: chr15-23646298-G-T. GRCh37 (hg19) VCF-style: chr15-23891445-G-T.
Other names: short protein forms A482D.
Identifiers: ClinVar variation 3646326 (VCV003646326.2).